The following is an entry in ClinVar:

NM_001844.5(COL2A1):c.2068G>A (p.Gly690Arg)

Gene: COL2A1 (collagen type II alpha 1 chain; minus strand). Cytogenetic location: 12q13.11.
Variant type: single nucleotide variant.
Coding change: c.2068G>A on transcript NM_001844.5 (MANE Select); coding-DNA position 2068, G replaced by A.
Protein change: p.Gly690Arg; replaces glycine 690 with arginine.
Molecular consequence: missense variant.
Genome position (GRCh38, 1-based): chr12:47,983,119, C>T on the plus strand (G>A on the coding strand, the complement: COL2A1 is on the minus strand). VCF-style: chr12-47983119-C-T. GRCh37 (hg19) VCF-style: chr12-48376902-C-T.
Other names: c.1861G>A, p.Gly621Arg (NM_033150.3); short protein forms G621R, G690R.
Identifiers: ClinVar variation 1458157 (VCV001458157.6), dbSNP rs1321119554, ClinGen allele CA384547543.
Genomic context (GRCh38, chr12:47,983,119, plus strand): 5'-GGAGGCAGCCCGCATTGGCCAACAGGATACTCACCCTGGGACCCACGAGGCCAGGGGCTC[C>T]AGCTTCACCGGGAACACCCTGGAGAACAAAGAAAGATGTGTGAGAGTGAAGGCTTCATAT-3'
Protein context (NP_001835.3, residues 680-700): PGDQGVPGEA[Gly690Arg]APGLVGPRGE

ClinVar aggregate classification (germline): Pathogenic (1 of 4 stars; one submission).

Submission:

Labcorp Genetics (formerly Invitae), Labcorp
Classification: Pathogenic. Last evaluated: 2022-09-09. Review status: criteria provided, single submitter. Criteria: Invitae Variant Classification Sherloc (09022015). Collection method: clinical testing. Allele origin: germline.
Comment: This sequence change replaces glycine, which is neutral and non-polar, with arginine, which is basic and polar, at codon 690 of the COL2A1 protein (p.Gly690Arg). This variant is not present in population databases (gnomAD no frequency). This missense change has been observed in individuals with clinical features of spondyloepiphyseal dysplasia congenita (PMID: 22791362, 25604898; Invitae). ClinVar contains an entry for this variant (Variation ID: 1458157). Advanced modeling of protein sequence and biophysical properties (such as structural, functional, and spatial information, amino acid conservation, physicochemical variation, residue mobility, and thermodynamic stability) performed at Invitae indicates that this missense variant is expected to disrupt COL2A1 protein function. This variant disrupts the triple helix domain of COL2A1. Glycine residues within the Gly-Xaa-Yaa repeats of the triple helix domain are required for the structure and stability of fibrillar collagens (PMID: 7695699, 8218237, 19344236). In COL2A1, variants affecting these glycine residues are significantly enriched in individuals with disease (PMID: 9016532, 17078022) compared to the general population (ExAC). For these reasons, this variant has been classified as Pathogenic.

Literature cited by the submitters: PubMed 22791362; PubMed 25604898; PubMed 7695699; PubMed 8218237; PubMed 19344236; PubMed 9016532; PubMed 17078022.